The following is an entry in ClinVar:

NM_020117.11(LARS1):c.3193-18T>G

Gene: LARS1 (leucyl-tRNA synthetase 1; minus strand). Cytogenetic location: 5q32.
Variant type: single nucleotide variant.
Coding change: c.3193-18T>G on transcript NM_020117.11 (MANE Select); 18 bases into the intron before coding-DNA position 3193, T replaced by G.
Molecular consequence: intron variant.
Genome position (GRCh38, 1-based): chr5:146,120,521, A>C on the plus strand (T>G on the coding strand, the complement: LARS1 is on the minus strand). VCF-style: chr5-146120521-A-C. GRCh37 (hg19) VCF-style: chr5-145500084-A-C.
Other names: c.3031-18T>G (NM_001317965.2); c.3112-18T>G (NM_016460.4); c.3055-18T>G (NM_001317964.2).
Identifiers: ClinVar variation 214569 (VCV000214569.9), dbSNP rs144388953, ClinGen allele CA320207.

ClinVar aggregate classification (germline): Benign. Review status: criteria provided, multiple submitters, no conflicts (2 of 4 stars). 2 submissions from 2 submitters: Benign (2). Last evaluated 2026-01-13.

Allele frequency attached by ClinVar (database versions not stated): ESP Exome Variant Server 0.00054; TOPMed 0.00062; gnomAD exomes 0.00161 and 0.00326; 1000 Genomes Project 30x 0.00187; 1000 Genomes Project 0.00220; gnomAD 0.00220 and 0.00222; ExAC 0.00293.
gnomAD v4.1: 2,655 of 1,605,902 alleles (0.17%); highest among the groups gnomAD compares: South Asian, 0.47%; 13 homozygotes.

Submissions (2):

Labcorp Genetics (formerly Invitae), Labcorp
Classification: Benign. Last evaluated: 2026-01-13. Review status: criteria provided, single submitter. Criteria: Invitae Variant Classification Sherloc (09022015). Collection method: clinical testing. Allele origin: germline.

GeneDx
Classification: Benign. Last evaluated: 2014-09-16. Review status: criteria provided, single submitter. Criteria: GeneDx Variant Classification (06012015). Collection method: clinical testing. Allele origin: germline. Affected: yes.
Comment: This variant is considered likely benign or benign based on one or more of the following criteria: it is a conservative change, it occurs at a poorly conserved position in the protein, it is predicted to be benign by multiple in silico algorithms, and/or has population frequency not consistent with disease.